The following is an entry in ClinVar:

NM_004385.5(VCAN):c.5809G>A (p.Asp1937Asn)

Genes: VCAN (versican; plus strand), VCAN-AS1 (VCAN antisense RNA 1; minus strand). Cytogenetic location: 5q14.3.
Variant type: single nucleotide variant.
Coding change: c.5809G>A on transcript NM_004385.5 (MANE Select); coding-DNA position 5809, G replaced by A.
Protein change: p.Asp1937Asn; replaces aspartic acid 1937 with asparagine.
Molecular consequence: missense variant. On other transcripts: intron variant (2).
Genome position (GRCh38, 1-based): chr5:83,538,812, G>A. VCF-style: chr5-83538812-G-A. GRCh37 (hg19) VCF-style: chr5-82834631-G-A.
Other names: c.2848G>A, p.Asp950Asn (NM_001164097.2); c.4004-6725G>A (NM_001164098.2); c.1043-6725G>A (NM_001126336.3); c.5809G>A (NM_004385.4); short protein forms D1937N, D950N.
Identifiers: ClinVar variation 1495689 (VCV001495689.10), dbSNP rs756870122, ClinGen allele CA3333382.

ClinVar aggregate classification (germline): Conflicting classifications of pathogenicity. Review status: criteria provided, conflicting classifications (1 of 4 stars). 3 submissions from 3 submitters: Uncertain significance (2); Likely benign (1). Last evaluated 2025-02-24.

Conditions:
Inborn genetic diseases. Identifiers: MedGen C0950123, MeSH D030342.

Allele frequency attached by ClinVar (database versions not stated): ExAC 0.00002.
gnomAD v4.1: 49 of 1,613,772 alleles (0.003%); highest among the groups gnomAD compares: Admixed American, 0.005%; no homozygotes.

Submissions (3):

Labcorp Genetics (formerly Invitae), Labcorp
Classification: Uncertain significance. Last evaluated: 2025-02-24. Review status: criteria provided, single submitter. Criteria: Invitae Variant Classification Sherloc (09022015). Collection method: clinical testing. Allele origin: germline.
Comment: This sequence change replaces aspartic acid, which is acidic and polar, with asparagine, which is neutral and polar, at codon 1937 of the VCAN protein (p.Asp1937Asn). This variant is present in population databases (rs756870122, gnomAD 0.006%). This variant has not been reported in the literature in individuals affected with VCAN-related conditions. ClinVar contains an entry for this variant (Variation ID: 1495689). An algorithm developed to predict the effect of missense changes on protein structure and function (PolyPhen-2) suggests that this variant is likely to be disruptive. In summary, the available evidence is currently insufficient to determine the role of this variant in disease. Therefore, it has been classified as a Variant of Uncertain Significance.

Blueprint Genetics
Classification: Likely benign. Last evaluated: 2024-06-25. Review status: criteria provided, single submitter. Criteria: ACMG Guidelines, 2015. Collection method: clinical testing. Allele origin: germline.

Ambry Genetics
Classification: Uncertain significance for Inborn genetic diseases. Last evaluated: 2022-05-10. Review status: criteria provided, single submitter. Criteria: Ambry Variant Classification Scheme 2023. Collection method: clinical testing. Allele origin: germline.